The following is an entry in ClinVar:

NM_020831.6(MRTFA):c.1995C>A (p.Ala665=)

Gene: MRTFA (myocardin related transcription factor A; minus strand). Cytogenetic location: 22q13.1.
Variant type: single nucleotide variant.
Coding change: c.1995C>A on transcript NM_020831.6 (MANE Select); coding-DNA position 1995, C replaced by A.
Protein change: p.Ala665=; no amino-acid change (alanine 665 retained).
Molecular consequence: synonymous variant.
Genome position (GRCh38, 1-based): chr22:40,418,743, G>T on the plus strand (C>A on the coding strand, the complement: MRTFA is on the minus strand). VCF-style: chr22-40418743-G-T. GRCh37 (hg19) VCF-style: chr22-40814747-G-T.
Other names: c.1695C>A, p.Ala565= (NM_001282660.2); c.1845C>A, p.Ala615= (NM_001282661.3); c.1995C>A, p.Ala665= (NM_001282662.3); c.1800C>A, p.Ala600= (NM_001318139.2); c.1695C>A (NM_020831.4).
Identifiers: ClinVar variation 1683008 (VCV001683008.13), dbSNP rs759747406, ClinGen allele CA10249479.

ClinVar aggregate classification (germline): Likely benign. Review status: criteria provided, multiple submitters, no conflicts (2 of 4 stars). 3 submissions from 3 submitters: Likely benign (2). 1 of the submissions does not count toward it. Last evaluated 2026-02-01.

Conditions:
MRTFA-related disorder. Also called: MRTFA-related condition.

gnomAD v4.1: 106 of 873,590 alleles (0.012%); highest among the groups gnomAD compares: Non-Finnish European, 0.015%; no homozygotes.

Submissions (3):

CeGaT Center for Human Genetics Tuebingen
Classification: Likely benign. Last evaluated: 2026-02-01. Review status: criteria provided, single submitter. Criteria: CeGaT Center For Human Genetics Tuebingen Variant Classification Criteria Version 2. Collection method: clinical testing. Allele origin: germline. Affected: yes. Observed: 1 variant allele.
Comment: MRTFA: BP4, BP7

Labcorp Genetics (formerly Invitae), Labcorp
Classification: Likely benign. Last evaluated: 2025-08-24. Review status: criteria provided, single submitter. Criteria: Invitae Variant Classification Sherloc (09022015). Collection method: clinical testing. Allele origin: germline.

PreventionGenetics, part of Exact Sciences
Classification: Likely benign for MRTFA-related condition. Last evaluated: 2020-07-01. Review status: no assertion criteria provided. Collection method: clinical testing. Allele origin: germline. Not counted in ClinVar's aggregate classification.
Comment: This variant is classified as likely benign based on ACMG/AMP sequence variant interpretation guidelines (Richards et al. 2015 PMID: 25741868, with internal and published modifications).